The following is an entry in ClinVar:

NM_003839.4(TNFRSF11A):c.727A>C (p.Thr243Pro)

Gene: TNFRSF11A (TNF receptor superfamily member 11a; plus strand). Cytogenetic location: 18q21.33.
Variant type: single nucleotide variant.
Coding change: c.727A>C on transcript NM_003839.4 (MANE Select); coding-DNA position 727, A replaced by C.
Protein change: p.Thr243Pro; replaces threonine 243 with proline.
Molecular consequence: missense variant. On other transcripts: intron variant (1).
Genome position (GRCh38, 1-based): chr18:62,361,790, A>C. VCF-style: chr18-62361790-A-C. GRCh37 (hg19) VCF-style: chr18-60029023-A-C.
Other names: c.727A>C, p.Thr243Pro (NM_001270949.2, NM_001270950.2); c.685A>C, p.Thr229Pro (NM_001278268.2); c.616+1741A>C (NM_001270951.2); short protein forms T243P, T229P.
Identifiers: ClinVar variation 2097591 (VCV002097591.4), dbSNP rs1207337886, ClinGen allele CA402614427.

ClinVar aggregate classification (germline): Uncertain significance (1 of 4 stars; one submission).

Allele frequency attached by ClinVar (database versions not stated): TOPMed below 0.00001; gnomAD 0.00001.
gnomAD v4.1: 9 of 1,613,488 alleles (0.00056%); highest among the groups gnomAD compares: Middle Eastern, 0.016%; no homozygotes.

Submission:

Labcorp Genetics (formerly Invitae), Labcorp
Classification: Uncertain significance. Last evaluated: 2022-05-29. Review status: criteria provided, single submitter. Criteria: Invitae Variant Classification Sherloc (09022015). Collection method: clinical testing. Allele origin: germline.
Comment: This sequence change replaces threonine, which is neutral and polar, with proline, which is neutral and non-polar, at codon 243 of the TNFRSF11A protein (p.Thr243Pro). In summary, the available evidence is currently insufficient to determine the role of this variant in disease. Therefore, it has been classified as a Variant of Uncertain Significance. Algorithms developed to predict the effect of missense changes on protein structure and function are either unavailable or do not agree on the potential impact of this missense change (SIFT: "Deleterious"; PolyPhen-2: "Probably Damaging"; Align-GVGD: "Class C0"). This variant has not been reported in the literature in individuals affected with TNFRSF11A-related conditions. This variant is present in population databases (no rsID available, gnomAD 0.006%).